The following is an entry in ClinVar:

NM_015021.3(ZNF292):c.2780CTC[1] (p.Pro928del)

Gene: ZNF292 (zinc finger protein 292; plus strand). Cytogenetic location: 6q14.3.
Variant type: Microsatellite.
Coding change: c.2780CTC[1] on transcript NM_015021.3 (MANE Select); one copy of the 3-base unit CTC starting at c.2780; the reference has two copies in a row; one copy, 3 bases deleted.
Protein change: p.Pro928del; deletes proline 928.
Molecular consequence: inframe deletion.
Genome position (GRCh38, 1-based): chr6:87,256,412-87,256,414, CTC deleted; deleting any 3 consecutive bases within chr6:87,256,409-87,256,414 gives the same sequence; the position shown is the placement nearest the transcript's 3' end. VCF-style (leftmost placement, unchanged base first): chr6-87256408-ACTC-A. GRCh37 (hg19) VCF-style: chr6-87966126-ACTC-A.
Other names: c.2360CTC[1], p.Pro788del (NM_001351444.2); short protein forms P788del, P928del.
Identifiers: ClinVar variation 1174893 (VCV001174893.21), dbSNP rs575913628, ClinGen allele CA3914008.

ClinVar aggregate classification (germline): Uncertain significance. Review status: criteria provided, single submitter (1 of 4 stars). 3 submissions from 3 submitters: Uncertain significance (1). 2 of the submissions do not count toward it. Last evaluated 2026-01-01.

Submissions (3):

CeGaT Center for Human Genetics Tuebingen
Classification: Uncertain significance. Last evaluated: 2026-01-01. Review status: criteria provided, single submitter. Criteria: CeGaT Center For Human Genetics Tuebingen Variant Classification Criteria Version 2. Collection method: clinical testing. Allele origin: germline. Affected: yes. Observed: 2 variant alleles.
Comment: ZNF292: PM4:Supporting

Clinical Genetics DNA and cytogenetics Diagnostics Lab, Erasmus MC, Erasmus Medical Center
Classification: Uncertain significance. Review status: no assertion criteria provided. Collection method: clinical testing. Allele origin: germline. Affected: yes. Study: VKGL Data-share Consensus. Not counted in ClinVar's aggregate classification.

Diagnostic Laboratory, Department of Genetics, University Medical Center Groningen
Classification: Uncertain significance. Review status: no assertion criteria provided. Collection method: clinical testing. Allele origin: germline. Affected: yes. Study: VKGL Data-share Consensus. Not counted in ClinVar's aggregate classification.